The following is an entry in ClinVar:

ClinVar aggregate classification (germline): Uncertain significance (1 of 4 stars; one submission).

Submission:

GeneDx
Classification: Uncertain significance. Last evaluated: 2025-02-25. Review status: criteria provided, single submitter. Criteria: GeneDx Variant Classification Process June 2021. Collection method: clinical testing. Allele origin: germline. Affected: yes.
Comment: Frameshift variant predicted to result in protein truncation as the last 49 amino acids are replaced with 90 different amino acids, although loss-of-function variants have not been reported downstream of this position in the protein; Not observed at significant frequency in large population cohorts (gnomAD); Has not been previously published as pathogenic or benign to our knowledge

NM_005585.5(SMAD6):c.1343del (p.His448fs)

Gene: SMAD6 (SMAD family member 6; plus strand). Cytogenetic location: 15q22.31.
Variant type: Deletion.
Coding change: c.1343del on transcript NM_005585.5 (MANE Select); coding-DNA position 1343, one base deleted (A; older notation c.1343delA).
Protein change: p.His448fs; shifts the reading frame from histidine 448.
Molecular consequence: frameshift variant. On other transcripts: non-coding transcript variant (1).
Genome position (GRCh38, 1-based): chr15:66,781,387, A deleted. VCF-style (leftmost placement, unchanged base first): chr15-66781386-CA-C. GRCh37 (hg19) VCF-style: chr15-67073724-CA-C.
Other names: short protein forms H448fs.
Identifiers: ClinVar variation 1704990 (VCV001704990.3), dbSNP rs2541899248, ClinGen allele CA2580089893.